The following is an entry in ClinVar:

ClinVar aggregate classification (germline): Likely pathogenic (1 of 4 stars; one submission).

Conditions:
Microcephaly, normal intelligence and immunodeficiency (NBS). Also called: Ataxia telangiectasia variant V1; IMMUNODEFICIENCY, MICROCEPHALY, AND CHROMOSOMAL INSTABILITY; SEEMANOVA SYNDROME II; Immunodeficiency, microcephaly with normal intelligence; Nijmegen breakage syndrome; Microcephaly with normal intelligence immunodeficiency and lymphoreticular malignancies. Identifiers: Orphanet 647, MedGen C0398791, MONDO:0009623, OMIM 251260.

Submission:

Myriad Genetics, Inc.
Classification: Likely pathogenic for Microcephaly, normal intelligence and immunodeficiency. Last evaluated: 2022-01-24. Review status: criteria provided, single submitter. Criteria: Myriad Women's Health Autosomal Recessive and X-Linked Classification Criteria (2021). Collection method: clinical testing. Allele origin: unknown.
Comment: NM_002485.4(NBN):c.1968_1969delGA(L656Ffs*2) is expected to be pathogenic in the context of Nijmegen breakage syndrome. This variant is predicted to lead to an abnormal or absent protein product due to the creation of a premature termination codon in NBN, a gene where loss-of-function variants are known to be pathogenic. Please note: this variant was assessed in the context of healthy population screening.

NM_002485.5(NBN):c.1968_1969del (p.Leu656fs)

Gene: NBN (nibrin; minus strand). Cytogenetic location: 8q21.3.
Variant type: Deletion.
Coding change: c.1968_1969del on transcript NM_002485.5 (MANE Select); coding-DNA positions 1968 to 1969, 2 bases deleted (GA; older notation c.1968_1969delGA).
Protein change: p.Leu656fs; shifts the reading frame from leucine 656.
Molecular consequence: frameshift variant.
Genome position (GRCh38, 1-based): chr8:89,946,241-89,946,242, TC deleted on the plus strand (GA on the coding strand, the reverse complement: NBN is on the minus strand). VCF-style (leftmost placement, unchanged base first): chr8-89946240-GTC-G. GRCh37 (hg19) VCF-style: chr8-90958468-GTC-G.
Other names: c.1722_1723del, p.Leu574fs (NM_001024688.3); short protein forms L574fs, L656fs.
Identifiers: ClinVar variation 1724045 (VCV001724045.2), dbSNP rs2488202605, ClinGen allele CA2580079037.